The following is an entry in ClinVar:

ClinVar aggregate classification (germline): Uncertain significance (1 of 4 stars; one submission).

Conditions:
RASopathy. Also called: rasopathies; Noonan spectrum disorder. Identifiers: Orphanet 536391, MedGen C5555857, MONDO:0021060.

Submission:

Labcorp Genetics (formerly Invitae), Labcorp
Classification: Uncertain significance for RASopathy. Last evaluated: 2021-05-05. Review status: criteria provided, single submitter. Criteria: Invitae Variant Classification Sherloc (09022015). Collection method: clinical testing. Allele origin: germline.
Comment: Advanced modeling of protein sequence and biophysical properties (such as structural, functional, and spatial information, amino acid conservation, physicochemical variation, residue mobility, and thermodynamic stability) performed at Invitae indicates that this missense variant is expected to disrupt MAP2K2 protein function. In summary, the available evidence is currently insufficient to determine the role of this variant in disease. Therefore, it has been classified as a Variant of Uncertain Significance. This variant has not been reported in the literature in individuals with MAP2K2-related conditions. This variant is not present in population databases (ExAC no frequency). This sequence change replaces phenylalanine with valine at codon 72 of the MAP2K2 protein (p.Phe72Val). The phenylalanine residue is moderately conserved and there is a small physicochemical difference between phenylalanine and valine.

NM_030662.4(MAP2K2):c.214T>G (p.Phe72Val)

Gene: MAP2K2 (mitogen-activated protein kinase kinase 2; minus strand). Cytogenetic location: 19p13.3.
Variant type: single nucleotide variant.
Coding change: c.214T>G on transcript NM_030662.4 (MANE Select); coding-DNA position 214, T replaced by G.
Protein change: p.Phe72Val; replaces phenylalanine 72 with valine.
Molecular consequence: missense variant.
Genome position (GRCh38, 1-based): chr19:4,117,508, A>C on the plus strand (T>G on the coding strand, the complement: MAP2K2 is on the minus strand). VCF-style: chr19-4117508-A-C. GRCh37 (hg19) VCF-style: chr19-4117506-A-C.
Other names: short protein forms F72V.
Identifiers: ClinVar variation 1422797 (VCV001422797.8), dbSNP rs2145080238, ClinGen allele CA403392577.
Genomic context (GRCh38, chr19:4,117,508, plus strand): 5'-TGTGCTGGACTTTGGTGACCACCCCGCCGTTGCCCGCGCCCAGCTCTGAGATCCTTTCGA[A>C]GTCATCGTCTTTGAGTTCGCCGACCTTGGCTTTCTGGGTGAGAAAGGCTTCCAGCCGCTT-3'
Protein context (NP_109587.1, residues 62-82): AKVGELKDDD[Phe72Val]ERISELGAGN